The following is an entry in ClinVar:

ClinVar aggregate classification (germline): Uncertain significance (1 of 4 stars; one submission).

Conditions:
Niemann-Pick disease, type C1. Also called: NIEMANN-PICK DISEASE, VARIANT TYPE C1; NIEMANN-PICK DISEASE WITHOUT SPHINGOMYELINASE DEFICIENCY; NEUROVISCERAL STORAGE DISEASE WITH VERTICAL SUPRANUCLEAR OPHTHALMOPLEGIA; NIEMANN-PICK DISEASE WITH CHOLESTEROL ESTERIFICATION BLOCK; NIEMANN-PICK DISEASE, CHRONIC NEURONOPATHIC FORM. Identifiers: Orphanet 646, MedGen C3179455, MONDO:0009757, OMIM 257220.

Submission:

Labcorp Genetics (formerly Invitae), Labcorp
Classification: Uncertain significance for Niemann-Pick disease, type C1. Last evaluated: 2024-04-25. Review status: criteria provided, single submitter. Criteria: Invitae Variant Classification Sherloc (09022015). Collection method: clinical testing. Allele origin: germline.
Comment: This sequence change affects codon 970 of the NPC1 mRNA. It is a 'silent' change, meaning that it does not change the encoded amino acid sequence of the NPC1 protein. It affects a nucleotide within the consensus splice site. This variant is not present in population databases (gnomAD no frequency). This variant has not been reported in the literature in individuals affected with NPC1-related conditions. ClinVar contains an entry for this variant (Variation ID: 2129690). Algorithms developed to predict the effect of sequence changes on RNA splicing suggest that this variant is not likely to affect RNA splicing. In summary, the available evidence is currently insufficient to determine the role of this variant in disease. Therefore, it has been classified as a Variant of Uncertain Significance.

NM_000271.5(NPC1):c.2910A>G (p.Ser970=)

Gene: NPC1 (NPC intracellular cholesterol transporter 1; minus strand). Cytogenetic location: 18q11.2.
Variant type: single nucleotide variant.
Coding change: c.2910A>G on transcript NM_000271.5 (MANE Select); coding-DNA position 2910, A replaced by G.
Protein change: p.Ser970=; no amino-acid change (serine 970 retained).
Molecular consequence: synonymous variant.
Genome position (GRCh38, 1-based): chr18:23,539,356, T>C on the plus strand (A>G on the coding strand, the complement: NPC1 is on the minus strand). VCF-style: chr18-23539356-T-C. GRCh37 (hg19) VCF-style: chr18-21119320-T-C.
Identifiers: ClinVar variation 2129690 (VCV002129690.3), dbSNP rs2511209805, ClinGen allele CA503322531.